The following is an entry in ClinVar:

NM_015443.4(KANSL1):c.2542-3C>T

Gene: KANSL1 (KAT8 regulatory NSL complex subunit 1). Cytogenetic location: 17q21.31.
Variant type: single nucleotide variant.
Coding change: c.2542-3C>T on transcript NM_015443.4 (MANE Select); 3 bases into the intron before coding-DNA position 2542, C replaced by T.
Molecular consequence: intron variant.
Genome position (GRCh38, 1-based): chr17:46,034,288, G>A on the plus strand (C>T on the coding strand, the complement: KANSL1 is on the minus strand). VCF-style: chr17-46034288-G-A. GRCh37 (hg19) VCF-style: chr17-44111654-G-A.
Other names: c.1087-6C>T (NM_001405885.1); c.1087-3C>T (NM_001405884.1); c.1276-6C>T (NM_001405883.1); c.1276-3C>T (NM_001405882.1); c.2440-6C>T (NM_001405881.1, NM_001405861.1); c.2440-3C>T (NM_001405859.1, NM_001405860.1); c.2353-6C>T (NM_001405879.1, NM_001405880.1); c.2353-3C>T (NM_001405875.1, NM_001405878.1, NM_001405877.1 and 1 more transcripts); and 2 more.
Identifiers: ClinVar variation 2868082 (VCV002868082.3), dbSNP rs2510407804, ClinGen allele CA2739267592.

ClinVar aggregate classification (germline): Uncertain significance (1 of 4 stars; one submission).

Conditions:
Koolen-de Vries syndrome (KDVS). Identifiers: Orphanet 96169, MedGen C1864871, MONDO:0012496, OMIM 610443.

Submission:

Labcorp Genetics (formerly Invitae), Labcorp
Classification: Uncertain significance for Koolen-de Vries syndrome. Last evaluated: 2024-01-28. Review status: criteria provided, single submitter. Criteria: Invitae Variant Classification Sherloc (09022015). Collection method: clinical testing. Allele origin: germline.
Comment: This sequence change falls in intron 10 of the KANSL1 gene. It does not directly change the encoded amino acid sequence of the KANSL1 protein. It affects a nucleotide within the consensus splice site. This variant is not present in population databases (gnomAD no frequency). This variant has not been reported in the literature in individuals affected with KANSL1-related conditions. Variants that disrupt the consensus splice site are a relatively common cause of aberrant splicing (PMID: 17576681, 9536098). Algorithms developed to predict the effect of sequence changes on RNA splicing suggest that this variant is not likely to affect RNA splicing. In summary, the available evidence is currently insufficient to determine the role of this variant in disease. Therefore, it has been classified as a Variant of Uncertain Significance.

Literature cited by the submitters: PubMed 17576681; PubMed 9536098.